The following is an entry in ClinVar:

ClinVar aggregate classification (germline): Uncertain significance. Review status: reviewed by expert panel (3 of 4 stars). 4 submissions from 4 submitters: Uncertain significance (1). 3 of the submissions do not count toward it. Last evaluated 2025-11-25.

Conditions:
ABCA4-related retinopathy. Also called: ABCA4 retinoapthy; ABCA4-related retinoapthy. Identifiers: MedGen CN322612, MONDO:0800406.
ABCA4-related disorder. Also called: ABCA4-related disorders; ABCA4-related condition. Identifiers: MedGen CN239167.

Allele frequency attached by ClinVar (database versions not stated): gnomAD exomes 0.00002 and 0.00003; gnomAD 0.00005 and 0.00006; TOPMed 0.00005.
gnomAD v4.1: 51 of 1,610,462 alleles (0.0032%); highest among the groups gnomAD compares: Middle Eastern, 0.016%; no homozygotes.

Submissions (5):

ClinGen ABCA4 Variant Curation Expert Panel, Clingen
Classification: Uncertain significance for ABCA4-related retinopathy. Last evaluated: 2025-11-25. Review status: reviewed by expert panel. Criteria: ClinGen ABCA4 ACMG Specifications V1.0.0. Collection method: curation. Allele origin: germline. Inheritance: Autosomal recessive inheritance.
Comment: The NM_000350.3:c.5197-4C>T is an intronic variant within intron 36 of the ABCA4 gene. The total minor allele frequency in gnomAD v4.1.0 is 0.00003167 (51/1610462 alleles), which is lower than the ClinGen ABCA4 VCEP’s threshold for PM2_Supporting (<0.0001). The computational predictor SpliceAI gives score of 0.03 (donor loss) and 0.02 (acceptor loss) which are below the threshold of ≤0.1, evidence that does not predict a damaging effect on ABCA4 function (BP4). To our knowledge, this variant has not been reported in the literature in any individuals with ABCA4-related retinopathy. In summary, this variant meets the criteria to be classified as variant of uncertain significance for ABCA4-related retinopathy based on the ACMG/AMP criteria applied, as specified by the ClinGen ABCA4 VCEP (Specification Version 1.0.0: PM2_Supporting, BP4_Supporting).

Labcorp Genetics (formerly Invitae), Labcorp
Classification: Likely benign. Last evaluated: 2024-10-03. Review status: criteria provided, single submitter. Criteria: Invitae Variant Classification Sherloc (09022015). Collection method: clinical testing. Allele origin: germline. Not counted in ClinVar's aggregate classification.

Blueprint Genetics
Classification: Likely benign. Last evaluated: 2023-04-13. Review status: criteria provided, single submitter. Criteria: ACMG Guidelines, 2015. Collection method: clinical testing. Allele origin: germline. Not counted in ClinVar's aggregate classification.

Illumina Laboratory Services, Illumina
Classification: Uncertain significance for ABCA4-Related Disorders. Last evaluated: 2018-01-13. Review status: criteria provided, single submitter. Criteria: ICSL Variant Classification Criteria 13 December 2019. Collection method: clinical testing. Allele origin: germline. Not counted in ClinVar's aggregate classification.

Dr. Peter K. Rogan Lab, Western University
No classification provided (evidence only). Condition: Lung cancer. Review status: no classification provided. Collection method: in vitro. Allele origin: not applicable. Functional consequence: retained intron. Not counted in ClinVar's aggregate classification.

NM_000350.3(ABCA4):c.5197-4C>T

Gene: ABCA4 (ATP binding cassette subfamily A member 4; minus strand). Cytogenetic location: 1p22.1.
Variant type: single nucleotide variant.
Coding change: c.5197-4C>T on transcript NM_000350.3 (MANE Select); 4 bases into the intron before coding-DNA position 5197, C replaced by T.
Molecular consequence: intron variant.
Genome position (GRCh38, 1-based): chr1:94,015,858, G>A on the plus strand (C>T on the coding strand, the complement: ABCA4 is on the minus strand). VCF-style: chr1-94015858-G-A. GRCh37 (hg19) VCF-style: chr1-94481414-G-A.
Identifiers: ClinVar variation 298229 (VCV000298229.15), dbSNP rs758825834, ClinGen allele CA957349.
Genomic context (GRCh38, chr1:94,015,858, plus strand): 5'-CTTCTGAAACCCGATGAAGATGCCCACCACCAGCCCAGCACTCACGGAATAATTCATCTC[G>A]GAAAGAGAAGAGGAGAGCAAGTCACTTAACCTCTCAGACCTGCTGCCAGCTCTGCAAAAT-3'